The following is an entry in ClinVar:

ClinVar aggregate classification (germline): Uncertain significance (1 of 4 stars; one submission).

Submission:

ISCA site 4
Classification: Uncertain significance. Last evaluated: 2011-08-12. Review status: criteria provided, single submitter. Criteria: Kaminsky et al. (Genet Med. 2011). Collection method: clinical testing. Allele origin: unknown. Affected: yes. Observed: 1 variant allele.
Comment: Copy number variation identified through the course of routine clinical cytogenomic testing in postnatal populations. Clinical assertions have been curated as described in Kaminsky et al. 2011.

GRCh38/hg38 8p23.2(chr8:2641113-3269970)x3

Genes: CSMD1 (CUB and Sushi multiple domains 1; minus strand), LINC03021 (long intergenic non-protein coding RNA 3021; minus strand), LOC105377785 (uncharacterized LOC105377785; plus strand), LOC123987607 (Sharpr-MPRA regulatory region 12422; plus strand), LOC123987608 (Sharpr-MPRA regulatory region 746; plus strand) and 5 more. Cytogenetic location: 8p23.2.
Variant type: copy number gain.
Change: copy number 3 (three copies instead of two) of chr8:2,641,113-3,269,970 (628.9 kb, GRCh38 coordinates, 1-based), cytogenetic band 8p23.2.
Identifiers: ClinVar variation 160962 (VCV000160962.1).